The following is an entry in ClinVar:

ClinVar aggregate classification (germline): Uncertain significance. Review status: criteria provided, multiple submitters, no conflicts (2 of 4 stars). 3 submissions from 3 submitters: Uncertain significance (3). Last evaluated 2024-10-14.

Conditions:
Inborn genetic diseases. Identifiers: MedGen C0950123, MeSH D030342.

Allele frequency attached by ClinVar (database versions not stated): ExAC 0.00001; gnomAD 0.00003; TOPMed 0.00003.
gnomAD v4.1: 130 of 1,614,088 alleles (0.0081%); highest among the groups gnomAD compares: Non-Finnish European, 0.01%; no homozygotes.

Submissions (3):

Blueprint Genetics
Classification: Uncertain significance. Last evaluated: 2024-10-14. Review status: criteria provided, single submitter. Criteria: ACMG Guidelines, 2015. Collection method: clinical testing. Allele origin: germline.

Ambry Genetics
Classification: Uncertain significance for Inborn genetic diseases. Last evaluated: 2022-11-21. Review status: criteria provided, single submitter. Criteria: Ambry Variant Classification Scheme 2023. Collection method: clinical testing. Allele origin: germline.

Labcorp Genetics (formerly Invitae), Labcorp
Classification: Uncertain significance. Last evaluated: 2022-05-13. Review status: criteria provided, single submitter. Criteria: Invitae Variant Classification Sherloc (09022015). Collection method: clinical testing. Allele origin: germline.
Comment: This sequence change replaces alanine, which is neutral and non-polar, with valine, which is neutral and non-polar, at codon 385 of the EXTL3 protein (p.Ala385Val). This variant is present in population databases (rs201602008, gnomAD 0.004%). This variant has not been reported in the literature in individuals affected with EXTL3-related conditions. Algorithms developed to predict the effect of missense changes on protein structure and function are either unavailable or do not agree on the potential impact of this missense change (SIFT: "Tolerated"; PolyPhen-2: "Possibly Damaging"; Align-GVGD: "Class C0"). Algorithms developed to predict the effect of sequence changes on RNA splicing suggest that this variant may create or strengthen a splice site. In summary, the available evidence is currently insufficient to determine the role of this variant in disease. Therefore, it has been classified as a Variant of Uncertain Significance.

NM_001440.4(EXTL3):c.1154C>T (p.Ala385Val)

Gene: EXTL3 (exostosin like glycosyltransferase 3; plus strand). Cytogenetic location: 8p21.1.
Variant type: single nucleotide variant.
Coding change: c.1154C>T on transcript NM_001440.4 (MANE Select); coding-DNA position 1154, C replaced by T.
Protein change: p.Ala385Val; replaces alanine 385 with valine.
Molecular consequence: missense variant.
Genome position (GRCh38, 1-based): chr8:28,717,213, C>T. VCF-style: chr8-28717213-C-T. GRCh37 (hg19) VCF-style: chr8-28574730-C-T.
Other names: short protein forms A385V.
Identifiers: ClinVar variation 1984448 (VCV001984448.3), dbSNP rs201602008, ClinGen allele CA4696157.